The following is an entry in ClinVar:

ClinVar aggregate classification (germline): Uncertain significance (1 of 4 stars; one submission).

gnomAD v4.1: 5 of 1,614,080 alleles (0.00031%); highest among the groups gnomAD compares: African/African-American, 0.0027%; no homozygotes.

Submission:

GeneDx
Classification: Uncertain significance. Last evaluated: 2023-07-14. Review status: criteria provided, single submitter. Criteria: GeneDx Variant Classification Process June 2021. Collection method: clinical testing. Allele origin: germline. Affected: yes.
Comment: Not observed at significant frequency in large population cohorts (gnomAD); In silico analysis supports that this variant does not alter splicing; Has not been previously published as pathogenic or benign to our knowledge

NM_006005.3(WFS1):c.1141C>T (p.Leu381=)

Gene: WFS1 (wolframin ER transmembrane glycoprotein; plus strand). Cytogenetic location: 4p16.1.
Variant type: single nucleotide variant.
Coding change: c.1141C>T on transcript NM_006005.3 (MANE Select); coding-DNA position 1141, C replaced by T.
Protein change: p.Leu381=; no amino-acid change (leucine 381 retained).
Molecular consequence: synonymous variant.
Genome position (GRCh38, 1-based): chr4:6,300,936, C>T. VCF-style: chr4-6300936-C-T. GRCh37 (hg19) VCF-style: chr4-6302663-C-T.
Other names: c.1141C>T, p.Leu381= (NM_001145853.1).
Identifiers: ClinVar variation 3361082 (VCV003361082.1).